The following is an entry in ClinVar:

ClinVar aggregate classification (germline): Likely pathogenic (1 of 4 stars; one submission).

Conditions:
Nemaline myopathy 6 (NEM6). Also called: Nemaline myopathy 6, autosomal dominant. Identifiers: Orphanet 171439, MedGen C1836472, MONDO:0012237, OMIM 609273.

Submission:

Geisinger Autism and Developmental Medicine Institute, Geisinger Health System
Classification: Likely pathogenic for Nemaline myopathy 6. Last evaluated: 2018-04-12. Review status: criteria provided, single submitter. Criteria: ACMG CNV Guidelines, 2011. Collection method: provider interpretation. Allele origin: de novo.
Comment: Parental studies (targeted microarray and FISH analysis) revealed that this deletion arose de novo.

Literature cited by the submitters: PubMed 24525055.

Single allele

Genes: ANKDD1A (ankyrin repeat and death domain containing 1A; plus strand), APH1B (aph-1 homolog B, gamma-secretase subunit; plus strand), CA12 (carbonic anhydrase 12; minus strand), CIAO2A (cytosolic iron-sulfur assembly component 2A; minus strand), CILP (cartilage intermediate layer protein; minus strand) and 37 more. Cytogenetic location: 15q22.2-22.31.
Variant type: Deletion.
Identifiers: ClinVar variation 560063 (VCV000560063.3).